The following is an entry in ClinVar:

NM_152564.5(VPS13B):c.2367T>C (p.Gly789=)

Gene: VPS13B (vacuolar protein sorting 13 homolog B; plus strand). Cytogenetic location: 8q22.2.
Variant type: single nucleotide variant.
Coding change: c.2367T>C on transcript NM_152564.5 (MANE Select); coding-DNA position 2367, T replaced by C.
Protein change: p.Gly789=; no amino-acid change (glycine 789 retained).
Molecular consequence: synonymous variant.
Genome position (GRCh38, 1-based): chr8:99,192,909, T>C. VCF-style: chr8-99192909-T-C. GRCh37 (hg19) VCF-style: chr8-100205137-T-C.
Other names: c.2367T>C, p.Gly789= (NM_015243.3, NM_017890.5).
Identifiers: ClinVar variation 2842382 (VCV002842382.5), dbSNP rs2488954577, ClinGen allele CA462421299.

ClinVar aggregate classification (germline): Likely benign. Review status: criteria provided, single submitter (1 of 4 stars). 2 submissions from 2 submitters: Likely benign (1). 1 of the submissions does not count toward it. Last evaluated 2023-03-03.

Conditions:
VPS13B-related disorder. Also called: VPS13B-related condition.
Cohen syndrome (COH1). Also called: Cutis verticis gyrata, retinitis pigmentosa, and sensorineural deafness; PEPPER SYNDROME. Identifiers: Orphanet 193, MedGen C0265223, MONDO:0008999, OMIM 216550.

Allele frequency attached by ClinVar (database versions not stated): gnomAD exomes below 0.00001.
gnomAD v4.1: 4 of 1,613,444 alleles (0.00025%); highest among the groups gnomAD compares: Non-Finnish European, 0.00034%; no homozygotes.

Submissions (2):

Labcorp Genetics (formerly Invitae), Labcorp
Classification: Likely benign for Cohen syndrome. Last evaluated: 2023-03-03. Review status: criteria provided, single submitter. Criteria: Invitae Variant Classification Sherloc (09022015). Collection method: clinical testing. Allele origin: germline.

PreventionGenetics, part of Exact Sciences
Classification: Likely benign for VPS13B-related condition. Last evaluated: 2020-12-23. Review status: no assertion criteria provided. Collection method: clinical testing. Allele origin: germline. Not counted in ClinVar's aggregate classification.
Comment: This variant is classified as likely benign based on ACMG/AMP sequence variant interpretation guidelines (Richards et al. 2015 PMID: 25741868, with internal and published modifications).